The following is an entry in ClinVar:

ClinVar aggregate classification (germline): Uncertain significance (1 of 4 stars; one submission).

Conditions:
RAD21-related disorder. Also called: RAD21- Related disorders; RAD21-related condition.

Allele frequency attached by ClinVar (database versions not stated): gnomAD exomes below 0.00001.
gnomAD v4.1: 4 of 1,611,278 alleles (0.00025%); highest among the groups gnomAD compares: South Asian, 0.0022%; no homozygotes.

Submission:

PreventionGenetics, part of Exact Sciences
Classification: Uncertain significance for RAD21-related condition. Last evaluated: 2026-01-08. Review status: criteria provided, single submitter. Criteria: ACMG Guidelines, 2015. Collection method: clinical testing. Allele origin: germline.
Comment: The RAD21 c.386T>C variant is predicted to result in the amino acid substitution p.Val129Ala. To our knowledge, this variant has not been reported in the literature or in a large population database (gnomAD), indicating this variant is rare. At this time, the clinical significance of this variant is uncertain due to the absence of conclusive functional and genetic evidence.

NM_006265.3(RAD21):c.386T>C (p.Val129Ala)

Gene: RAD21 (RAD21 cohesin complex component; minus strand). Cytogenetic location: 8q24.11.
Variant type: single nucleotide variant.
Coding change: c.386T>C on transcript NM_006265.3 (MANE Select); coding-DNA position 386, T replaced by C.
Protein change: p.Val129Ala; replaces valine 129 with alanine.
Molecular consequence: missense variant.
Genome position (GRCh38, 1-based): chr8:116,858,447, A>G on the plus strand (T>C on the coding strand, the complement: RAD21 is on the minus strand). VCF-style: chr8-116858447-A-G. GRCh37 (hg19) VCF-style: chr8-117870686-A-G.
Other names: short protein forms V129A.
Identifiers: ClinVar variation 2631514 (VCV002631514.2), dbSNP rs1812516812, ClinGen allele CA372008382.